The following is an entry in ClinVar:

NM_012199.5(AGO1):c.165C>T (p.Tyr55=)

Gene: AGO1 (argonaute RISC component 1; plus strand). Cytogenetic location: 1p34.3.
Variant type: single nucleotide variant.
Coding change: c.165C>T on transcript NM_012199.5 (MANE Select); coding-DNA position 165, C replaced by T.
Protein change: p.Tyr55=; no amino-acid change (tyrosine 55 retained).
Molecular consequence: synonymous variant. On other transcripts: 5 prime UTR variant (1).
Genome position (GRCh38, 1-based): chr1:35,888,566, C>T. VCF-style: chr1-35888566-C-T. GRCh37 (hg19) VCF-style: chr1-36354167-C-T.
Other names: c.165C>T, p.Tyr55= (NM_001317122.2); c.-61C>T (NM_001317123.2).
Identifiers: ClinVar variation 787855 (VCV000787855.6), dbSNP rs143228790, ClinGen allele CA762950.
Genomic context (GRCh38, chr1:35,888,566, plus strand): 5'-AATCAAGCTCCTGGCCAATTACTTTGAGGTGGACATCCCTAAGATCGACGTGTACCACTA[C>T]GAGGTGGACATCAAGCCGGATAAGTGTCCCCGTAGAGTCAACCGGTAAGTGATGCACACC-3'
Protein context (NP_036331.1, residues 45-65): VDIPKIDVYH[Tyr55=]EVDIKPDKCP

ClinVar aggregate classification (germline): Benign. Review status: criteria provided, single submitter (1 of 4 stars). 2 submissions from 2 submitters: Benign (1). 1 of the submissions does not count toward it. Last evaluated 2019-12-31.

Conditions:
AGO1-related disorder. Also called: AGO1-related condition.

Allele frequency attached by ClinVar (database versions not stated): ESP Exome Variant Server 0.00008; TOPMed 0.00030; gnomAD 0.00085 and 0.00192; gnomAD exomes 0.00255 and 0.00536; ExAC 0.00592; 1000 Genomes Project 0.00879; 1000 Genomes Project 30x 0.00890.
gnomAD v4.1: 4,048 of 1,614,206 alleles (0.25%); highest among the groups gnomAD compares: South Asian, 3.5%; 80 homozygotes.

Submissions (2):

Labcorp Genetics (formerly Invitae), Labcorp
Classification: Benign. Last evaluated: 2019-12-31. Review status: criteria provided, single submitter. Criteria: Invitae Variant Classification Sherloc (09022015). Collection method: clinical testing. Allele origin: germline.

PreventionGenetics, part of Exact Sciences
Classification: Benign for AGO1-related condition. Last evaluated: 2019-06-28. Review status: no assertion criteria provided. Collection method: clinical testing. Allele origin: germline. Not counted in ClinVar's aggregate classification.
Comment: This variant is classified as benign based on ACMG/AMP sequence variant interpretation guidelines (Richards et al. 2015 PMID: 25741868, with internal and published modifications).